The following is an entry in ClinVar:

NM_000264.5(PTCH1):c.3460G>C (p.Ala1154Pro)

Gene: PTCH1 (patched 1; minus strand). Cytogenetic location: 9q22.32.
Variant type: single nucleotide variant.
Coding change: c.3460G>C on transcript NM_000264.5 (MANE Select); coding-DNA position 3460, G replaced by C.
Protein change: p.Ala1154Pro; replaces alanine 1154 with proline.
Molecular consequence: missense variant. On other transcripts: non-coding transcript variant (1).
Genome position (GRCh38, 1-based): chr9:95,449,930, C>G on the plus strand (G>C on the coding strand, the complement: PTCH1 is on the minus strand). VCF-style: chr9-95449930-C-G. GRCh37 (hg19) VCF-style: chr9-98212212-C-G.
Other names: c.3262G>C, p.Ala1088Pro (NM_001083602.3); c.3457G>C, p.Ala1153Pro (NM_001083603.3); c.3007G>C, p.Ala1003Pro (NM_001083604.3, NM_001083605.3, NM_001083606.3 and 1 more transcripts); c.3304G>C, p.Ala1102Pro (NM_001354918.2); short protein forms A1088P, A1154P, A1102P, A1003P, A1153P.
Identifiers: ClinVar variation 237480 (VCV000237480.10), dbSNP rs878853857, ClinGen allele CA10582673.

ClinVar aggregate classification (germline): Uncertain significance. Review status: criteria provided, multiple submitters, no conflicts (2 of 4 stars). 2 submissions from 2 submitters: Uncertain significance (2). Last evaluated 2020-01-22.

Conditions:
Gorlin syndrome. Also called: Nevoid Basal Cell Carcinoma Syndrome; Basal cell nevus syndrome. Identifiers: Orphanet 377, MedGen C0004779, MONDO:0007187.

Submissions (2):

GeneDx
Classification: Uncertain significance. Last evaluated: 2020-01-22. Review status: criteria provided, single submitter. Criteria: GeneDx Variant Classification Process June 2021. Collection method: clinical testing. Allele origin: germline. Affected: yes.
Comment: Not observed in large population cohorts (Lek 2016); In silico analysis, which includes protein predictors and evolutionary conservation, supports that this variant does not alter protein structure/function; Has not been previously published as pathogenic or benign to our knowledge

Labcorp Genetics (formerly Invitae), Labcorp
Classification: Uncertain significance for Gorlin syndrome. Last evaluated: 2016-01-01. Review status: criteria provided, single submitter. Criteria: Invitae Variant Classification Sherloc (09022015). Collection method: clinical testing. Allele origin: germline.
Comment: Algorithms developed to predict the effect of missense changes on protein structure and function do not agree on the potential impact of this missense change (SIFT: "Tolerated"; PolyPhen-2: "Possibly Damaging"; Align-GVGD: "Class C0"). This variant is not present in population databases (ExAC no frequency) and has not been reported in the literature in individuals with a PTCH1-related disease. In summary, this is a novel missense change with uncertain impact on protein function. It has been classified as a Variant of Uncertain Significance. This sequence change replaces alanine with proline at codon 1154 of the PTCH1 protein (p.Ala1154Pro). The alanine residue is highly conserved and there is a small physicochemical difference between alanine and proline.